The following is an entry in ClinVar:

NM_006206.6(PDGFRA):c.1034C>T (p.Pro345Leu)

Gene: PDGFRA (platelet derived growth factor receptor alpha; plus strand). Cytogenetic location: 4q12.
Variant type: single nucleotide variant.
Coding change: c.1034C>T on transcript NM_006206.6 (MANE Select); coding-DNA position 1034, C replaced by T.
Protein change: p.Pro345Leu; replaces proline 345 with leucine.
Molecular consequence: missense variant.
Genome position (GRCh38, 1-based): chr4:54,267,654, C>T. VCF-style: chr4-54267654-C-T. GRCh37 (hg19) VCF-style: chr4-55133821-C-T.
Other names: c.1034C>T, p.Pro345Leu (NM_001347827.2, NM_001347829.2); c.1109C>T, p.Pro370Leu (NM_001347828.2); c.1073C>T, p.Pro358Leu (NM_001347830.2); short protein forms P345L, P358L, P370L.
Identifiers: ClinVar variation 4530354 (VCV004530354.1).

ClinVar aggregate classification (somatic clinical impact): Tier I - Strong (1 of 4 stars; one submission).

Conditions:
Diffuse glioma, H3 G34 mutant. Identifiers: MedGen CN377580, MONDO:0957197.

Submission:

Institute for Genomic Medicine (IGM) Clinical Laboratory, Nationwide Children's Hospital
Classification: Tier I - Strong for Diffuse glioma, H3 G34 mutant. Assertion type: diagnostic. Clinical significance: supports diagnosis. Last evaluated: 2025-02-20. Review status: criteria provided, single submitter. Criteria: AMP/ASCO/CAP Guidelines, 2017. Collection method: clinical testing. Allele origin: somatic. Affected: yes.
Comment: Variant has Tier I (strong) clinical significance as a diagnostic inclusion criterion in diffuse glioma, H3 G34 mutant, based on the following evidence: 1) Documented in one or more cancer databases (e.g., St. Jude Pecan, COSMIC, CIViC, OncoKB). 2) Diagnostic for a specific tumor type/classification based on well-powered studies with expert-level consensus (Evidence Level B; PMIDs: 24705250, 24705251, 25230881, 28966033, 29763623, 33259802, 35195909).

Literature cited by the submitters: PubMed 24705250; PubMed 24705251; PubMed 25230881; PubMed 28966033; PubMed 29763623; PubMed 33259802; PubMed 35195909.